The following is an entry in ClinVar:

NM_000478.6(ALPL):c.1206G>C (p.Leu402=)

Gene: ALPL (alkaline phosphatase, biomineralization associated; plus strand). Cytogenetic location: 1p36.12.
Variant type: single nucleotide variant.
Coding change: c.1206G>C on transcript NM_000478.6 (MANE Select); coding-DNA position 1206, G replaced by C.
Protein change: p.Leu402=; no amino-acid change (leucine 402 retained).
Molecular consequence: synonymous variant.
Genome position (GRCh38, 1-based): chr1:21,576,538, G>C. VCF-style: chr1-21576538-G-C. GRCh37 (hg19) VCF-style: chr1-21903031-G-C.
Other names: c.1041G>C, p.Leu347= (NM_001127501.4); c.975G>C, p.Leu325= (NM_001177520.3); c.1206G>C, p.Leu402= (NM_001369803.2, NM_001369804.2, NM_001369805.2).
Identifiers: ClinVar variation 4086877 (VCV004086877.1).

ClinVar aggregate classification (germline): Likely benign (1 of 4 stars; one submission).

Conditions:
Hypophosphatasia. Also called: Phosphoethanol-aminuria. Identifiers: Orphanet 436, MedGen C0020630, MeSH D007014, MONDO:0018570.

Submission:

Genomenon, Inc
Classification: Likely benign for Hypophosphatasia. Last evaluated: 2025-08-29. Review status: criteria provided, single submitter. Criteria: Genomenon Sequence Variant Interpretation Standards. Collection method: curation. Allele origin: germline. Affected: no.
Comment: ALPL c.1206G>C is a synonymous variant that retains Leucine at residue 402. This variant has been reported in the published literature (PMID:9781036). This synonymous variant is not predicted to impact splicing. It is absent or not present at a significant frequency in gnomAD. In conclusion, we classify ALPL p.Leu402= (c.1206G>C) as a likely benign variant.

Literature cited by the submitters: PubMed 9781036.